The following is an entry in ClinVar:

NM_003742.4(ABCB11):c.898G>A (p.Glu300Lys)

Gene: ABCB11 (ATP binding cassette subfamily B member 11; minus strand). Cytogenetic location: 2q31.1.
Variant type: single nucleotide variant.
Coding change: c.898G>A on transcript NM_003742.4 (MANE Select); coding-DNA position 898, G replaced by A.
Protein change: p.Glu300Lys; replaces glutamic acid 300 with lysine.
Molecular consequence: missense variant.
Genome position (GRCh38, 1-based): chr2:168,990,811, C>T on the plus strand (G>A on the coding strand, the complement: ABCB11 is on the minus strand). VCF-style: chr2-168990811-C-T. GRCh37 (hg19) VCF-style: chr2-169847321-C-T.
Other names: short protein forms E300K.
Identifiers: ClinVar variation 4066848 (VCV004066848.3), dbSNP rs267598994.
Genomic context (GRCh38, chr2:168,990,811, plus strand): 5'-CTATGCTGATTGATGAAATTAAGGAAAGAATCAGATTCCAATTAACCAACCTTTCAACCT[C>T]TCTTTTCTCACCACCAAAAGCAGCCACTGTTCTCATTGATGAAATGACTTCATCAGCCAC-3'
Protein context (NP_003733.2, residues 290-310): TVAAFGGEKR[Glu300Lys]VERYEKNLVF

ClinVar aggregate classification (germline): Uncertain significance. Review status: criteria provided, single submitter (1 of 4 stars). 2 submissions from 2 submitters: Uncertain significance (1). 1 of the submissions does not count toward it. Last evaluated 2024-12-11.

Conditions:
Progressive familial intrahepatic cholestasis type 2. Identifiers: Orphanet 79304, MedGen C3489789, MONDO:0011156, OMIM 601847.

Submissions (2):

Dasa
Classification: Uncertain significance. Last evaluated: 2024-12-11. Review status: criteria provided, single submitter. Criteria: DASA Assertion Criteria. Collection method: clinical testing. Allele origin: germline.
Comment: NM_003742.4(ABCB11):c.898G>A (p.Glu300Lys) is a missense variant that results in the substitution of glutamic acid with lysine. This variant has been observed in affected individuals with ABCB11-related disorders. Also, this variant is absent from population databases. Computational prediction algorithms are consistent with a deleterious effect. The currently available literature and clinical evidence are not sufficient to establish a definitive association between this variant and the reported condition. Therefore, this variant is classified as a variant of uncertain significance.

Natera, Inc.
Classification: Uncertain significance for Progressive familial intrahepatic cholestasis type 2. Last evaluated: 2025-02-11. Review status: no assertion criteria provided. Collection method: clinical testing. Allele origin: germline. Not counted in ClinVar's aggregate classification.